The following is an entry in ClinVar:

NM_000388.4(CASR):c.2022C>A (p.Asp674Glu)

Gene: CASR (calcium sensing receptor; plus strand). Cytogenetic location: 3q21.1.
Variant type: single nucleotide variant.
Coding change: c.2022C>A on transcript NM_000388.4 (MANE Select); coding-DNA position 2022, C replaced by A.
Protein change: p.Asp674Glu; replaces aspartic acid 674 with glutamic acid.
Molecular consequence: missense variant.
Genome position (GRCh38, 1-based): chr3:122,283,976, C>A. VCF-style: chr3-122283976-C-A. GRCh37 (hg19) VCF-style: chr3-122002823-C-A.
Other names: c.2052C>A, p.Asp684Glu (NM_001178065.2); short protein forms D674E, D684E.
Identifiers: ClinVar variation 643681 (VCV000643681.11), dbSNP rs1576877311, ClinGen allele CA354158323.
Genomic context (GRCh38, chr3:122,283,976, plus strand): 5'-CCTCTTCTCCCTGCTCTGCTGCTTCTCCAGCTCCCTGTTCTTCATCGGGGAGCCCCAGGA[C>A]TGGACGTGCCGCCTGCGCCAGCCGGCCTTTGGCATCAGCTTCGTGCTCTGCATCTCATGC-3'
Protein context (NP_000379.3, residues 664-684): SSLFFIGEPQ[Asp674Glu]WTCRLRQPAF

ClinVar aggregate classification (germline): Uncertain significance. Review status: criteria provided, multiple submitters, no conflicts (2 of 4 stars). 2 submissions from 2 submitters: Uncertain significance (2). Last evaluated 2022-09-18.

Conditions:
Autosomal dominant hypocalcemia 1 (HYPOC1). Also called: HYPOCALCEMIA, FAMILIAL. Identifiers: MedGen C3715128, MONDO:0011013, OMIM 601198.
Familial hypocalciuric hypercalcemia (FHH). Also called: Familial benign hypercalcemia. Identifiers: Orphanet 405, MedGen C1809471, MONDO:0018458.
Nephrolithiasis/nephrocalcinosis. Identifiers: MedGen CN580796.

Submissions (2):

Labcorp Genetics (formerly Invitae), Labcorp
Classification: Uncertain significance for Familial hypocalciuric hypercalcemia; Autosomal dominant hypocalcemia 1. Last evaluated: 2022-09-18. Review status: criteria provided, single submitter. Criteria: Invitae Variant Classification Sherloc (09022015). Collection method: clinical testing. Allele origin: germline.
Comment: Algorithms developed to predict the effect of missense changes on protein structure and function are either unavailable or do not agree on the potential impact of this missense change (SIFT: "Deleterious"; PolyPhen-2: "Possibly Damaging"; Align-GVGD: "Class C0"). This sequence change replaces aspartic acid, which is acidic and polar, with glutamic acid, which is acidic and polar, at codon 674 of the CASR protein (p.Asp674Glu). This variant is not present in population databases (gnomAD no frequency). This variant has not been reported in the literature in individuals affected with CASR-related conditions. ClinVar contains an entry for this variant (Variation ID: 643681). In summary, the available evidence is currently insufficient to determine the role of this variant in disease. Therefore, it has been classified as a Variant of Uncertain Significance.

Ambry Genetics
Classification: Uncertain significance for Nephrolithiasis/nephrocalcinosis. Last evaluated: 2021-10-29. Review status: criteria provided, single submitter. Criteria: Ambry Variant Classification Scheme 2023. Collection method: clinical testing. Allele origin: germline.
Comment: The p.D674E variant (also known as c.2022C>A), located in coding exon 6 of the CASR gene, results from a C to A substitution at nucleotide position 2022. The aspartic acid at codon 674 is replaced by glutamic acid, an amino acid with highly similar properties. This amino acid position is conserved. In addition, the in silico prediction for this alteration is inconclusive. Since supporting evidence is limited at this time, the clinical significance of this alteration remains unclear.